The following is an entry in ClinVar:

NM_001987.5(ETV6):c.922C>G (p.His308Asp)

Gene: ETV6 (ETS variant transcription factor 6; plus strand). Cytogenetic location: 12p13.2.
Variant type: single nucleotide variant.
Coding change: c.922C>G on transcript NM_001987.5 (MANE Select); coding-DNA position 922, C replaced by G.
Protein change: p.His308Asp; replaces histidine 308 with aspartic acid.
Molecular consequence: missense variant.
Genome position (GRCh38, 1-based): chr12:11,869,882, C>G. VCF-style: chr12-11869882-C-G. GRCh37 (hg19) VCF-style: chr12-12022816-C-G.
Other names: c.919C>G, p.His307Asp (NM_001413913.1); c.895C>G, p.His299Asp (NM_001413914.1); c.658C>G, p.His220Asp (NM_001413915.1); c.922C>G, p.His308Asp (NM_001413916.1, NM_001413917.1); short protein forms H307D, H299D, H220D, H308D.
Identifiers: ClinVar variation 2878963 (VCV002878963.3), dbSNP rs1269640792, ClinGen allele CA384044246.

ClinVar aggregate classification (germline): Uncertain significance (1 of 4 stars; one submission).

Submission:

Labcorp Genetics (formerly Invitae), Labcorp
Classification: Uncertain significance. Last evaluated: 2024-12-13. Review status: criteria provided, single submitter. Criteria: Invitae Variant Classification Sherloc (09022015). Collection method: clinical testing. Allele origin: germline.
Comment: This sequence change replaces histidine, which is basic and polar, with aspartic acid, which is acidic and polar, at codon 308 of the ETV6 protein (p.His308Asp). This variant is not present in population databases (gnomAD no frequency). This variant has not been reported in the literature in individuals affected with ETV6-related conditions. ClinVar contains an entry for this variant (Variation ID: 2878963). Invitae Evidence Modeling of protein sequence and biophysical properties (such as structural, functional, and spatial information, amino acid conservation, physicochemical variation, residue mobility, and thermodynamic stability) indicates that this missense variant is not expected to disrupt ETV6 protein function with a negative predictive value of 80%. In summary, the available evidence is currently insufficient to determine the role of this variant in disease. Therefore, it has been classified as a Variant of Uncertain Significance.